The following is an entry in ClinVar:

NM_001303441.2(HEXIM2):c.324G>A (p.Leu108=)

Genes: HEXIM2 (HEXIM P-TEFb complex subunit 2; plus strand), HEXIM2-AS2 (HEXIM2 antisense RNA 2; minus strand). Cytogenetic location: 17q21.31.
Variant type: single nucleotide variant.
Coding change: c.324G>A on transcript NM_001303441.2 (MANE Select); coding-DNA position 324, G replaced by A.
Protein change: p.Leu108=; no amino-acid change (leucine 108 retained).
Molecular consequence: synonymous variant. On other transcripts: non-coding transcript variant (1).
Genome position (GRCh38, 1-based): chr17:45,169,272, G>A. VCF-style: chr17-45169272-G-A. GRCh37 (hg19) VCF-style: chr17-43246639-G-A.
Other names: c.390G>A, p.Leu130= (NM_001303436.1); c.324G>A, p.Leu108= (NM_001303437.1, NM_001303438.1, NM_001303439.1 and 5 more transcripts).
Identifiers: ClinVar variation 4823225 (VCV004823225.4).

ClinVar aggregate classification (germline): Likely benign (1 of 4 stars; one submission).

Submission:

CeGaT Center for Human Genetics Tuebingen
Classification: Likely benign. Last evaluated: 2026-01-01. Review status: criteria provided, single submitter. Criteria: CeGaT Center For Human Genetics Tuebingen Variant Classification Criteria Version 2. Collection method: clinical testing. Allele origin: germline. Affected: yes. Observed: 1 variant allele.
Comment: HEXIM2: PM2:Supporting, BP4, BP7